The following is an entry in ClinVar:

ClinVar aggregate classification (germline): Uncertain significance. Review status: criteria provided, multiple submitters, no conflicts (2 of 4 stars). 2 submissions from 2 submitters: Uncertain significance (2). Last evaluated 2026-02-03.

Conditions:
Familial thoracic aortic aneurysm and aortic dissection (TAAD). Also called: Thoracic aortic aneurysms and dissections. Identifiers: Orphanet 91387, MedGen C4707243, MONDO:0019625.
Ehlers-Danlos syndrome, classic type, 1 (EDSCL1). Also called: Ehlers-Danlos Syndrome, Classic Type, COL5A1-Related; EHLERS-DANLOS SYNDROME, GRAVIS TYPE; EHLERS-DANLOS SYNDROME, SEVERE CLASSIC TYPE; Ehlers-Danlos syndrome, type 1; EDS I. Identifiers: MedGen C0268335, MONDO:0019567, OMIM 130000.

Allele frequency attached by ClinVar (database versions not stated): ExAC 0.00001; 1000 Genomes Project 30x 0.00016.
gnomAD v4.1: 8 of 1,613,886 alleles (0.0005%); highest among the groups gnomAD compares: Admixed American, 0.005%; no homozygotes.

Submissions (2):

Labcorp Genetics (formerly Invitae), Labcorp
Classification: Uncertain significance for Ehlers-Danlos syndrome, classic type, 1. Last evaluated: 2026-02-03. Review status: criteria provided, single submitter. Criteria: Invitae Variant Classification Sherloc (09022015). Collection method: clinical testing. Allele origin: germline.
Comment: This sequence change replaces leucine, which is neutral and non-polar, with phenylalanine, which is neutral and non-polar, at codon 1393 of the COL5A2 protein (p.Leu1393Phe). This variant is present in population databases (rs200888890, gnomAD 0.003%). This variant has not been reported in the literature in individuals affected with COL5A2-related conditions. ClinVar contains an entry for this variant (Variation ID: 2202334). Invitae Evidence Modeling of protein sequence and biophysical properties (such as structural, functional, and spatial information, amino acid conservation, physicochemical variation, residue mobility, and thermodynamic stability) indicates that this missense variant is not expected to disrupt COL5A2 protein function with a negative predictive value of 80%. In summary, the available evidence is currently insufficient to determine the role of this variant in disease. Therefore, it has been classified as a Variant of Uncertain Significance.

Ambry Genetics
Classification: Uncertain significance for Familial thoracic aortic aneurysm and aortic dissection. Last evaluated: 2025-05-01. Review status: criteria provided, single submitter. Criteria: Ambry Variant Classification Scheme 2023. Collection method: clinical testing. Allele origin: germline.
Comment: The p.L1393F variant (also known as c.4179A>C), located in coding exon 53 of the COL5A2 gene, results from an A to C substitution at nucleotide position 4179. The leucine at codon 1393 is replaced by phenylalanine, an amino acid with highly similar properties. This amino acid position is highly conserved in available vertebrate species. In addition, the in silico prediction for this alteration is inconclusive. Based on the available evidence, the clinical significance of this variant remains unclear.

NM_000393.5(COL5A2):c.4179A>C (p.Leu1393Phe)

Gene: COL5A2 (collagen type V alpha 2 chain; minus strand). Cytogenetic location: 2q32.2.
Variant type: single nucleotide variant.
Coding change: c.4179A>C on transcript NM_000393.5 (MANE Select); coding-DNA position 4179, A replaced by C.
Protein change: p.Leu1393Phe; replaces leucine 1393 with phenylalanine.
Molecular consequence: missense variant.
Genome position (GRCh38, 1-based): chr2:189,035,090, T>G on the plus strand (A>C on the coding strand, the complement: COL5A2 is on the minus strand). VCF-style: chr2-189035090-T-G. GRCh37 (hg19) VCF-style: chr2-189899816-T-G.
Other names: c.4179A>C (NM_000393.3); short protein forms L1393F.
Identifiers: ClinVar variation 2202334 (VCV002202334.4), dbSNP rs200888890, ClinGen allele CA2021829.